The following is an entry in ClinVar:

NM_015072.5(TTLL5):c.1166C>G (p.Ser389Ter)

Gene: TTLL5 (tubulin tyrosine ligase like 5; plus strand). Cytogenetic location: 14q24.3.
Variant type: single nucleotide variant.
Coding change: c.1166C>G on transcript NM_015072.5 (MANE Select); coding-DNA position 1166, C replaced by G.
Protein change: p.Ser389Ter; replaces serine 389 with a stop codon.
Molecular consequence: nonsense.
Genome position (GRCh38, 1-based): chr14:75,734,030, C>G. VCF-style: chr14-75734030-C-G. GRCh37 (hg19) VCF-style: chr14-76200373-C-G.
Other names: short protein forms S389*.
Identifiers: ClinVar variation 1071881 (VCV001071881.10), dbSNP rs774889687, ClinGen allele CA7279260.

ClinVar aggregate classification (germline): Pathogenic. Review status: criteria provided, multiple submitters, no conflicts (2 of 4 stars). 2 submissions from 2 submitters: Pathogenic (2). Last evaluated 2019-08-23.

Conditions:
Cone-rod dystrophy 19 (CORD19). Identifiers: Orphanet 1872, MedGen C4014501, MONDO:0014372, OMIM 615860.

Allele frequency attached by ClinVar (database versions not stated): gnomAD exomes 0.00001 and 0.00002; ExAC 0.00002.
gnomAD v4.1: 3 of 1,614,002 alleles (0.00019%); highest among the groups gnomAD compares: East Asian, 0.0067%; no homozygotes.

Submissions (2):

Revvity Omics, Revvity
Classification: Pathogenic for Cone-rod dystrophy 19. Last evaluated: 2019-08-23. Review status: criteria provided, single submitter. Criteria: ACMG Guidelines, 2015. Collection method: clinical testing. Allele origin: germline.

Labcorp Genetics (formerly Invitae), Labcorp
Classification: Pathogenic. Last evaluated: 2017-10-27. Review status: criteria provided, single submitter. Criteria: Invitae Variant Classification Sherloc (09022015). Collection method: clinical testing. Allele origin: germline.
Comment: For these reasons, this variant has been classified as Pathogenic. Loss-of-function variants in TTLL5 are known to be pathogenic (PMID: 24791901, 27162334). This variant has not been reported in the literature in individuals with TTLL5-related disease. This variant is present in population databases (rs774889687, ExAC 0.03%). This sequence change creates a premature translational stop signal (p.Ser389*) in the TTLL5 gene. It is expected to result in an absent or disrupted protein product.

Literature cited by the submitters: PubMed 24791901 (cited by Labcorp Genetics (formerly Invitae), Labcorp); PubMed 27162334 (cited by Labcorp Genetics (formerly Invitae), Labcorp).